The following is an entry in ClinVar:

NM_001330195.2(NRXN3):c.1107A>G (p.Gln369=)

Gene: NRXN3 (neurexin 3; plus strand). Cytogenetic location: 14q24.3.
Variant type: single nucleotide variant.
Coding change: c.1107A>G on transcript NM_001330195.2 (MANE Select); coding-DNA position 1107, A replaced by G.
Protein change: p.Gln369=; no amino-acid change (glutamine 369 retained).
Molecular consequence: synonymous variant. On other transcripts: 5 prime UTR variant (1), non-coding transcript variant (4).
Genome position (GRCh38, 1-based): chr14:78,651,212, A>G. VCF-style: chr14-78651212-A-G. GRCh37 (hg19) VCF-style: chr14-79117555-A-G.
Other names: c.1107A>G, p.Gln369= (NM_001366425.1); c.1119A>G, p.Gln373= (NM_001366426.1); c.-13A>G (NM_004796.6).
Identifiers: ClinVar variation 4535340 (VCV004535340.6).

ClinVar aggregate classification (germline): Likely benign (1 of 4 stars; one submission).

gnomAD v4.1: 17 of 1,613,806 alleles (0.0011%); highest among the groups gnomAD compares: African/African-American, 0.021%; no homozygotes.

Submission:

CeGaT Center for Human Genetics Tuebingen
Classification: Likely benign. Last evaluated: 2025-11-01. Review status: criteria provided, single submitter. Criteria: CeGaT Center For Human Genetics Tuebingen Variant Classification Criteria Version 2. Collection method: clinical testing. Allele origin: germline. Affected: yes. Observed: 1 variant allele.
Comment: NRXN3: BP4, BP7